The following is an entry in ClinVar:

ClinVar aggregate classification (germline): Uncertain significance. Review status: criteria provided, multiple submitters, no conflicts (2 of 4 stars). 2 submissions from 2 submitters: Uncertain significance (2). Last evaluated 2025-09-10.

Conditions:
Glanzmann thrombasthenia 1 (GT1). Also called: GP IIb-IIIa COMPLEX DEFICIENCY; GLYCOPROTEIN COMPLEX IIb-IIIa DEFICIENCY; PLATELET FIBRINOGEN RECEPTOR DEFICIENCY; BLEEDING DISORDER, PLATELET-TYPE, 2. Identifiers: MedGen CN300358, MONDO:0031332, OMIM 273800.
Glanzmann thrombasthenia. Also called: THROMBASTHENIA OF GLANZMANN AND NAEGELI; PLATELET GLYCOPROTEIN IIb-IIIa DEFICIENCY; Thrombasthenia; Glanzmann's thrombasthenia. Identifiers: Orphanet 849, MedGen C0040015, MONDO:0100326.

gnomAD v4.1: 9 of 1,613,678 alleles (0.00056%); highest among the groups gnomAD compares: Non-Finnish European, 0.00068%; no homozygotes.

Submissions (2):

Genomic Medicine Center of Excellence, King Faisal Specialist Hospital and Research Centre
Classification: Uncertain significance for Glanzmann thrombasthenia 1. Last evaluated: 2025-09-10. Review status: criteria provided, single submitter. Criteria: ACMG Guidelines, 2015. Collection method: clinical testing. Allele origin: germline.

Labcorp Genetics (formerly Invitae), Labcorp
Classification: Uncertain significance for Glanzmann thrombasthenia. Last evaluated: 2025-07-10. Review status: criteria provided, single submitter. Criteria: Invitae Variant Classification Sherloc (09022015). Collection method: clinical testing. Allele origin: germline.
Comment: This sequence change replaces asparagine, which is neutral and polar, with serine, which is neutral and polar, at codon 670 of the ITGA2B protein (p.Asn670Ser). This variant is present in population databases (rs758351184, gnomAD 0.0009%). This variant has not been reported in the literature in individuals affected with ITGA2B-related conditions. ClinVar contains an entry for this variant (Variation ID: 3714857). Invitae Evidence Modeling of protein sequence and biophysical properties (such as structural, functional, and spatial information, amino acid conservation, physicochemical variation, residue mobility, and thermodynamic stability) indicates that this missense variant is expected to disrupt ITGA2B protein function with a positive predictive value of 95%. In summary, the available evidence is currently insufficient to determine the role of this variant in disease. Therefore, it has been classified as a Variant of Uncertain Significance.

NM_000419.5(ITGA2B):c.2009A>G (p.Asn670Ser)

Gene: ITGA2B (integrin subunit alpha 2b; minus strand). Cytogenetic location: 17q21.31.
Variant type: single nucleotide variant.
Coding change: c.2009A>G on transcript NM_000419.5 (MANE Select); coding-DNA position 2009, A replaced by G.
Protein change: p.Asn670Ser; replaces asparagine 670 with serine.
Molecular consequence: missense variant.
Genome position (GRCh38, 1-based): chr17:44,378,447, T>C on the plus strand (A>G on the coding strand, the complement: ITGA2B is on the minus strand). VCF-style: chr17-44378447-T-C. GRCh37 (hg19) VCF-style: chr17-42455815-T-C.
Other names: short protein forms N670S.
Identifiers: ClinVar variation 3714857 (VCV003714857.3).